The following is an entry in ClinVar:

ClinVar aggregate classification (germline): Uncertain significance. Review status: criteria provided, multiple submitters, no conflicts (2 of 4 stars). 2 submissions from 2 submitters: Uncertain significance (2). Last evaluated 2026-07-24.

Conditions:
Hereditary cancer-predisposing syndrome. Also called: Hereditary Cancer Syndrome; Neoplastic Syndromes, Hereditary; Hereditary neoplastic syndrome; Tumor predisposition. Identifiers: Orphanet 140162, MedGen C0027672, MeSH D009386, MONDO:0015356.
Hereditary nonpolyposis colorectal neoplasms. Identifiers: MedGen C0009405, MeSH D003123.

Submissions (2):

Ambry Genetics
Classification: Uncertain significance for Hereditary cancer-predisposing syndrome. Last evaluated: 2026-07-24. Review status: criteria provided, single submitter. Criteria: Ambry Variant Classification Scheme 2023. Collection method: clinical testing. Allele origin: germline.
Comment: The p.I853V variant (also known as c.2557A>G), located in coding exon 15 of the PMS2 gene, results from an A to G substitution at nucleotide position 2557. The isoleucine at codon 853 is replaced by valine, an amino acid with highly similar properties. This amino acid position is conserved. In addition, this alteration is predicted to be tolerated by in silico analysis. Based on the available evidence, the clinical significance of this variant remains unclear.

Labcorp Genetics (formerly Invitae), Labcorp
Classification: Uncertain significance for Hereditary nonpolyposis colorectal neoplasms. Last evaluated: 2021-01-20. Review status: criteria provided, single submitter. Criteria: Invitae Variant Classification Sherloc (09022015). Collection method: clinical testing. Allele origin: germline.
Comment: In summary, the available evidence is currently insufficient to determine the role of this variant in disease. Therefore, it has been classified as a Variant of Uncertain Significance. Algorithms developed to predict the effect of missense changes on protein structure and function output the following: SIFT: "Tolerated"; PolyPhen-2: "Benign"; Align-GVGD: "Class C0". The valine amino acid residue is found in multiple mammalian species, suggesting that this missense change does not adversely affect protein function. These predictions have not been confirmed by published functional studies and their clinical significance is uncertain. This variant has not been reported in the literature in individuals with PMS2-related conditions. This sequence change replaces isoleucine with valine at codon 853 of the PMS2 protein (p.Ile853Val). The isoleucine residue is weakly conserved and there is a small physicochemical difference between isoleucine and valine.

NM_000535.7(PMS2):c.2557A>G (p.Ile853Val)

Gene: PMS2 (PMS1 homolog 2, mismatch repair system component; minus strand). Cytogenetic location: 7p22.1.
Variant type: single nucleotide variant.
Coding change: c.2557A>G on transcript NM_000535.7 (MANE Select); coding-DNA position 2557, A replaced by G.
Protein change: p.Ile853Val; replaces isoleucine 853 with valine.
Molecular consequence: missense variant. On other transcripts: non-coding transcript variant (1).
Genome position (GRCh38, 1-based): chr7:5,973,431, T>C on the plus strand (A>G on the coding strand, the complement: PMS2 is on the minus strand). VCF-style: chr7-5973431-T-C. GRCh37 (hg19) VCF-style: chr7-6013062-T-C.
Other names: c.2152A>G, p.Ile718Val (NM_001322003.2, NM_001322004.2, NM_001322005.2); c.2401A>G, p.Ile801Val (NM_001322006.2); c.2239A>G, p.Ile747Val (NM_001322007.2, NM_001322008.2); c.2185A>G, p.Ile729Val (NM_001322009.2); c.1996A>G, p.Ile666Val (NM_001322010.2); c.1624A>G, p.Ile542Val (NM_001322011.2, NM_001322012.2); c.1984A>G, p.Ile662Val (NM_001322013.2); c.2590A>G, p.Ile864Val (NM_001322014.2); and 2 more; short protein forms I666V, I747V, I729V, I750V, I542V, I718V, I864V, I662V.
Identifiers: ClinVar variation 1380156 (VCV001380156.9), dbSNP rs1188808116, ClinGen allele CA366734792.